The following is an entry in ClinVar:

NM_001330360.2(POLA1):c.2200A>T (p.Ile734Leu)

Gene: POLA1 (DNA polymerase alpha 1, catalytic subunit; plus strand). Cytogenetic location: Xp22.11.
Variant type: single nucleotide variant.
Coding change: c.2200A>T on transcript NM_001330360.2 (MANE Select); coding-DNA position 2200, A replaced by T.
Protein change: p.Ile734Leu; replaces isoleucine 734 with leucine.
Molecular consequence: missense variant.
Genome position (GRCh38, 1-based): chrX:24,739,534, A>T. VCF-style: chrX-24739534-A-T. GRCh37 (hg19) VCF-style: chrX-24757651-A-T.
Other names: c.2125A>T, p.Ile709Leu (NM_001378303.1); c.2200A>T, p.Ile734Leu (NM_001440806.1); c.2182A>T, p.Ile728Leu (NM_016937.4); short protein forms I728L, I709L, I734L.
Identifiers: ClinVar variation 4741956 (VCV004741956.1).
Genomic context (GRCh38, chrX:24,739,534, plus strand): 5'-CTGTCTGAACTTGTTCAGCAGATTCTAAAAACTGAAAGGGTTGTAATCCCAATGGAAAAT[A>T]TACAAAATATGTACAGGTATGATCCTAGATTCTTCAGAATTCATCTGTCTTGAAATTAAC-3'
Protein context (NP_001317289.1, residues 724-744): TERVVIPMEN[Ile734Leu]QNMYSESSQL

ClinVar aggregate classification (germline): Uncertain significance (1 of 4 stars; one submission).

Submission:

Labcorp Genetics (formerly Invitae), Labcorp
Classification: Uncertain significance. Last evaluated: 2025-08-17. Review status: criteria provided, single submitter. Criteria: Invitae Variant Classification Sherloc (09022015). Collection method: clinical testing. Allele origin: germline.
Comment: This sequence change replaces isoleucine, which is neutral and non-polar, with leucine, which is neutral and non-polar, at codon 728 of the POLA1 protein (p.Ile728Leu). This variant is not present in population databases (gnomAD no frequency). This variant has not been reported in the literature in individuals affected with POLA1-related conditions. Invitae Evidence Modeling of protein sequence and biophysical properties (such as structural, functional, and spatial information, amino acid conservation, physicochemical variation, residue mobility, and thermodynamic stability) indicates that this missense variant is not expected to disrupt POLA1 protein function with a negative predictive value of 80%. In summary, the available evidence is currently insufficient to determine the role of this variant in disease. Therefore, it has been classified as a Variant of Uncertain Significance.